The following is an entry in ClinVar:

NM_015978.3(TNNI3K):c.491A>G (p.Asp164Gly)

Genes: FPGT-TNNI3K (FPGT-TNNI3K readthrough; plus strand), TNNI3K (TNNI3 interacting kinase; plus strand). Cytogenetic location: 1p31.1.
Variant type: single nucleotide variant.
Coding change: c.491A>G on transcript NM_015978.3 (MANE Select); coding-DNA position 491, A replaced by G.
Protein change: p.Asp164Gly; replaces aspartic acid 164 with glycine.
Molecular consequence: missense variant.
Genome position (GRCh38, 1-based): chr1:74,331,496, A>G. VCF-style: chr1-74331496-A-G. GRCh37 (hg19) VCF-style: chr1-74797180-A-G.
Other names: c.794A>G, p.Asp265Gly (NM_001112808.3, NM_001199327.2); short protein forms D164G, D265G.
Identifiers: ClinVar variation 2527283 (VCV002527283.5), dbSNP rs1366585297, ClinGen allele CA340779649.

ClinVar aggregate classification (germline): Uncertain significance. Review status: criteria provided, multiple submitters, no conflicts (2 of 4 stars). 2 submissions from 2 submitters: Uncertain significance (2). Last evaluated 2023-06-15.

Submissions (2):

Labcorp Genetics (formerly Invitae), Labcorp
Classification: Uncertain significance. Last evaluated: 2023-06-15. Review status: criteria provided, single submitter. Criteria: Invitae Variant Classification Sherloc (09022015). Collection method: clinical testing. Allele origin: germline.
Comment: In summary, the available evidence is currently insufficient to determine the role of this variant in disease. Therefore, it has been classified as a Variant of Uncertain Significance. Advanced modeling of protein sequence and biophysical properties (such as structural, functional, and spatial information, amino acid conservation, physicochemical variation, residue mobility, and thermodynamic stability) performed at Invitae indicates that this missense variant is not expected to disrupt TNNI3K protein function. This variant has not been reported in the literature in individuals affected with TNNI3K-related conditions. This variant is not present in population databases (gnomAD no frequency). This sequence change replaces aspartic acid, which is acidic and polar, with glycine, which is neutral and non-polar, at codon 164 of the TNNI3K protein (p.Asp164Gly).

Ambry Genetics
Classification: Uncertain significance. Last evaluated: 2023-03-20. Review status: criteria provided, single submitter. Criteria: Ambry Variant Classification Scheme 2023. Collection method: clinical testing. Allele origin: germline.